The following is an entry in ClinVar:

ClinVar aggregate classification (germline): Benign. Review status: criteria provided, multiple submitters, no conflicts (2 of 4 stars). 6 submissions from 6 submitters: Benign (6). Last evaluated 2026-02-04.

Conditions:
Hypophosphatemic rickets, autosomal recessive, 1 (ARHR1). Also called: HYPOPHOSPHATEMIA, AUTOSOMAL RECESSIVE. Identifiers: Orphanet 289176, MedGen C4551495, MONDO:0009430, OMIM 241520. Disease mechanism: loss of function.

Allele frequency attached by ClinVar (database versions not stated): TOPMed 0.14751; ESP Exome Variant Server 0.15131; gnomAD 0.15334 and 0.15913; 1000 Genomes Project 30x 0.17208; 1000 Genomes Project 0.17572; gnomAD exomes 0.18882 and 0.20183; ExAC 0.19145.
gnomAD v4.1: 318,921 of 1,613,888 alleles (20%); highest among the groups gnomAD compares: South Asian, 28%; 33,045 homozygotes.

Submissions (6):

Labcorp Genetics (formerly Invitae), Labcorp
Classification: Benign. Last evaluated: 2026-02-04. Review status: criteria provided, single submitter. Criteria: Invitae Variant Classification Sherloc (09022015). Collection method: clinical testing. Allele origin: germline.

Blueprint Genetics
Classification: Benign. Last evaluated: 2024-11-26. Review status: criteria provided, single submitter. Criteria: ACMG Guidelines, 2015. Collection method: clinical testing. Allele origin: germline.

Mayo Clinic Laboratories, Mayo Clinic
Classification: Benign. Last evaluated: 2022-03-09. Review status: criteria provided, single submitter. Criteria: ACMG Guidelines, 2015. Collection method: clinical testing. Allele origin: germline. Observed: 54 variant alleles.

Illumina Laboratory Services, Illumina
Classification: Benign for Hypophosphatemic rickets, autosomal recessive, 1. Last evaluated: 2018-01-13. Review status: criteria provided, single submitter. Criteria: ICSL Variant Classification Criteria 13 December 2019. Collection method: clinical testing. Allele origin: germline.
Comment: This variant was observed in the ICSL laboratory as part of a predisposition screen in an ostensibly healthy population. It had not been previously curated by ICSL or reported in the Human Gene Mutation Database (HGMD: prior to June 1st, 2018), and was therefore a candidate for classification through an automated scoring system. Utilizing variant allele frequency, disease prevalence and penetrance estimates, and inheritance mode, an automated score was calculated to assess if this variant is too frequent to cause the disease. Based on the score and internal cut-off values, a variant classified as benign is not then subjected to further curation. The score for this variant resulted in a classification of benign for this disease.

GeneDx
Classification: Benign. Last evaluated: 2015-03-03. Review status: criteria provided, single submitter. Criteria: GeneDx Variant Classification Process June 2021. Collection method: clinical testing. Allele origin: germline. Affected: yes.

Breakthrough Genomics
Classification: Benign. Review status: criteria provided, single submitter. Criteria: ACMG Guidelines, 2015. Collection method: not provided. Allele origin: germline. Inheritance: Autosomal recessive inheritance. Affected: yes.

NM_004407.4(DMP1):c.1218C>T (p.Ser406=)

Genes: DMP1 (dentin matrix acidic phosphoprotein 1; plus strand), DMP1-AS1 (DMP1 and DSPP antisense RNA 1; minus strand). Cytogenetic location: 4q22.1.
Variant type: single nucleotide variant.
Coding change: c.1218C>T on transcript NM_004407.4 (MANE Select); coding-DNA position 1218, C replaced by T.
Protein change: p.Ser406=; no amino-acid change (serine 406 retained).
Molecular consequence: synonymous variant.
Genome position (GRCh38, 1-based): chr4:87,662,996, C>T. VCF-style: chr4-87662996-C-T. GRCh37 (hg19) VCF-style: chr4-88584148-C-T.
Other names: p.Ser406=; c.1170C>T, p.Ser390= (NM_001079911.3).
Identifiers: ClinVar variation 349982 (VCV000349982.17), dbSNP rs2615498, ClinGen allele CA3002162.